The following is an entry in ClinVar:

NC_000023.11:g.(?_32287519)_(32823850_?)del

Gene: DMD (dystrophin; minus strand). Cytogenetic location: Xp21.1.
Variant type: Deletion.
Identifiers: ClinVar variation 831932 (VCV000831932.6).

ClinVar aggregate classification (germline): Pathogenic (1 of 4 stars; one submission).

Conditions:
Duchenne muscular dystrophy (DMD). Also called: Duchenne Muscular Dystrophy (DMD); MUSCULAR DYSTROPHY, PSEUDOHYPERTROPHIC PROGRESSIVE, DUCHENNE TYPE. Identifiers: Orphanet 98896, MedGen C0013264, MONDO:0010679, OMIM 310200.

Submission:

Labcorp Genetics (formerly Invitae), Labcorp
Classification: Pathogenic for Duchenne muscular dystrophy. Last evaluated: 2019-10-19. Review status: criteria provided, single submitter. Criteria: Invitae Variant Classification Sherloc (09022015). Collection method: clinical testing. Allele origin: germline.
Comment: This variant is an out-of-frame deletion of the genomic region encompassing exons 5-43 of the DMD gene. This is expected to create a premature translational stop signal and result in an absent or disrupted protein product. This variant has not been reported in the literature in individuals with DMD-related conditions. Loss-of-function variants in DMD are known to be pathogenic (PMID: 16770791, 25007885). For these reasons, this variant has been classified as Pathogenic.

Literature cited by the submitters: PubMed 16770791; PubMed 25007885.